The following is an entry in ClinVar:

ClinVar aggregate classification (germline): Likely pathogenic (1 of 4 stars; one submission).

Conditions:
Retinal dystrophy. Also called: Inherited retinal dystrophy. Identifiers: Orphanet 71862, MedGen C0854723, MeSH D058499, MONDO:0019118, HP:0000556.

gnomAD v4.1: 3 of 1,614,054 alleles (0.00019%); highest among the groups gnomAD compares: Non-Finnish European, 0.00025%; no homozygotes.

Submission:

Ophthalmic Genetics Group, Institute of Molecular and Clinical Ophthalmology Basel
Classification: Likely pathogenic for Retinal dystrophy. Last evaluated: 2024-05-27. Review status: criteria provided, single submitter. Criteria: ACMG Guidelines, 2015. Collection method: research. Allele origin: germline. Affected: yes. Observed: 2 variant alleles.
Comment: This variant was classified as Likely pathogenic based on ACMG criteria: PM1_sup, PM2_sup, PP1_strong and PP3_strong

Literature cited by the submitters: PubMed 40180963.

NM_002335.4(LRP5):c.629A>G (p.Tyr210Cys)

Gene: LRP5 (LDL receptor related protein 5; plus strand). Cytogenetic location: 11q13.2.
Variant type: single nucleotide variant.
Coding change: c.629A>G on transcript NM_002335.4 (MANE Select); coding-DNA position 629, A replaced by G.
Protein change: p.Tyr210Cys; replaces tyrosine 210 with cysteine.
Molecular consequence: missense variant. On other transcripts: 5 prime UTR variant (1).
Genome position (GRCh38, 1-based): chr11:68,357,790, A>G. VCF-style: chr11-68357790-A-G. GRCh37 (hg19) VCF-style: chr11-68125258-A-G.
Other names: NC_000011.9:g.68125258A>G; NP_002326.2:p.(Tyr210Cys); c.-1137A>G (NM_001291902.2); short protein forms Y210C.
Identifiers: ClinVar variation 3381803 (VCV003381803.2).
Genomic context (GRCh38, chr11:68,357,790, plus strand): 5'-TGGACTCGGACATTTACTGGCCCAATGGACTGACCATCGACCTGGAGGAGCAGAAGCTCT[A>G]CTGGGCTGACGCCAAGCTCAGCTTCATCCACCGTGCCAACCTGGACGGCTCGTTCCGGTA-3'
Protein context (NP_002326.2, residues 200-220): LTIDLEEQKL[Tyr210Cys]WADAKLSFIH